The following is an entry in ClinVar:

ClinVar aggregate classification (germline): Benign/Likely benign. Review status: criteria provided, multiple submitters, no conflicts (2 of 4 stars). 3 submissions from 3 submitters: Benign (1); Likely benign (1). 1 of the submissions does not count toward it. Last evaluated 2024-06-17.

Conditions:
Progressive sclerosing poliodystrophy (MTDPS4A). Also called: Alpers-Huttenlocher Syndrome (AHS); NEURONAL DEGENERATION OF CHILDHOOD WITH LIVER DISEASE, PROGRESSIVE; Alpers Syndrome; ALPERS DIFFUSE DEGENERATION OF CEREBRAL GRAY MATTER WITH HEPATIC CIRRHOSIS; Alpers-Huttenlocher Syndrome; ALPERS PROGRESSIVE INFANTILE POLIODYSTROPHY. Identifiers: Orphanet 726, MedGen C0205710, MONDO:0008758, OMIM 203700.

Allele frequency attached by ClinVar (database versions not stated): gnomAD exomes below 0.00001.
gnomAD v4.1: 2 of 1,548,422 alleles (0.00013%); highest among the groups gnomAD compares: Non-Finnish European, 0.00018%; no homozygotes.

Submissions (3):

Labcorp Genetics (formerly Invitae), Labcorp
Classification: Likely benign for Progressive sclerosing poliodystrophy. Last evaluated: 2024-06-17. Review status: criteria provided, single submitter. Criteria: Invitae Variant Classification Sherloc (09022015). Collection method: clinical testing. Allele origin: germline.

Wong Mito Lab, Molecular and Human Genetics, Baylor College of Medicine
Classification: Benign for Progressive sclerosing poliodystrophy. Last evaluated: 2018-10-01. Review status: criteria provided, single submitter. Criteria: ACMG Guidelines, 2015. Collection method: clinical testing. Allele origin: germline.
Comment: The NM_002693.2:c.153G>A (NP_002684.1:p.Gln51=) [GRCH38: NC_000015.10:g.89333602C>T] variant in POLG gene is interpretated to be a Benign based on ACMG guidelines (PMID: 25741868). This variant meets the following evidence codes reported in the ACMG-guideline. BS1:The minor allele frequency of this allele is high for Mitochondrial DNA depletion syndrome 4A (Alpers type). BS2:Observation of the variant in controls is inconsistent with penetrance of Mitochondrial DNA depletion syndrome 4A (Alpers type). BP4:Computational evidence/predictors indicate no impact on the POLG structure, function, or protein-protein interaction. BP7:The variant is silent with non predicted splice impact. Based on the evidence criteria codes applied, the variant is suggested to be Benign.

Mayo Clinic Laboratories, Mayo Clinic
Classification: Likely benign. Last evaluated: 2016-03-02. Review status: no assertion criteria provided. Collection method: clinical testing. Allele origin: unknown. Not counted in ClinVar's aggregate classification.

NM_002693.3(POLG):c.153G>A (p.Gln51=)

Genes: POLG (DNA polymerase gamma, catalytic subunit; minus strand), POLGARF (POLG alternative reading frame; minus strand). Cytogenetic location: 15q26.1.
Variant type: single nucleotide variant.
Coding change: c.153G>A on transcript NM_002693.3 (MANE Select); coding-DNA position 153, G replaced by A.
Protein change: p.Gln51=; no amino-acid change (glutamine 51 retained).
Molecular consequence: synonymous variant.
Genome position (GRCh38, 1-based): chr15:89,333,602, C>T on the plus strand (G>A on the coding strand, the complement: POLG is on the minus strand). VCF-style: chr15-89333602-C-T. GRCh37 (hg19) VCF-style: chr15-89876833-C-T.
Other names: c.153G>A, p.Gln51= (NM_001126131.2).
Identifiers: ClinVar variation 559176 (VCV000559176.12), dbSNP rs1453538834, ClinGen allele CA10602193.
Genomic context (GRCh38, chr15:89,333,602, plus strand): 5'-GTGCCGCAGCTGCCCGCCCTCCGAGGATAGCACTTGCGGCTGCTGAGGCTGCTGTTGCTG[C>T]TGCTGCTGCTGCTGCTGCTGCTGCTGCCGCCGCCGCTGCCCGTCGCTGGGGTCGGACGCG-3'
Protein context (NP_002684.1, residues 41-61): RRQQQQQQQQ[Gln51=]QQQQPQQPQV